The following is an entry in ClinVar:

ClinVar aggregate classification (germline): Uncertain significance (1 of 4 stars; one submission).

Conditions:
LAMA2-related muscular dystrophy (LAMA2-RD). Also called: Laminin alpha 2-related dystrophy. Identifiers: MedGen C5679788, MONDO:0100228.

Submission:

Labcorp Genetics (formerly Invitae), Labcorp
Classification: Uncertain significance for LAMA2-related muscular dystrophy. Last evaluated: 2022-05-07. Review status: criteria provided, single submitter. Criteria: Invitae Variant Classification Sherloc (09022015). Collection method: clinical testing. Allele origin: germline.
Comment: In summary, the available evidence is currently insufficient to determine the role of this variant in disease. Therefore, it has been classified as a Variant of Uncertain Significance. Advanced modeling of protein sequence and biophysical properties (such as structural, functional, and spatial information, amino acid conservation, physicochemical variation, residue mobility, and thermodynamic stability) performed at Invitae indicates that this missense variant is not expected to disrupt LAMA2 protein function. This variant has not been reported in the literature in individuals affected with LAMA2-related conditions. This variant is not present in population databases (gnomAD no frequency). This sequence change replaces asparagine, which is neutral and polar, with lysine, which is basic and polar, at codon 1830 of the LAMA2 protein (p.Asn1830Lys).

NM_000426.4(LAMA2):c.5490C>A (p.Asn1830Lys)

Gene: LAMA2 (laminin subunit alpha 2; plus strand). Cytogenetic location: 6q22.33.
Variant type: single nucleotide variant.
Coding change: c.5490C>A on transcript NM_000426.4 (MANE Select); coding-DNA position 5490, C replaced by A.
Protein change: p.Asn1830Lys; replaces asparagine 1830 with lysine.
Molecular consequence: missense variant.
Genome position (GRCh38, 1-based): chr6:129,401,268, C>A. VCF-style: chr6-129401268-C-A. GRCh37 (hg19) VCF-style: chr6-129722413-C-A.
Other names: c.5490C>A, p.Asn1830Lys (NM_001079823.2); short protein forms N1830K.
Identifiers: ClinVar variation 2131643 (VCV002131643.4), dbSNP rs2533295491, ClinGen allele CA365615226.